The following is an entry in ClinVar:

ClinVar aggregate classification (germline): Likely benign. Review status: criteria provided, multiple submitters, no conflicts (2 of 4 stars). 2 submissions from 2 submitters: Likely benign (2). Last evaluated 2026-04-01.

Conditions:
Kleefstra syndrome 1 (KLEFS1). Identifiers: Orphanet 261494, MedGen C0795833, MONDO:0027407, OMIM 610253.

Allele frequency attached by ClinVar (database versions not stated): TOPMed below 0.00001; gnomAD exomes 0.00002.
gnomAD v4.1: 12 of 1,614,042 alleles (0.00074%); highest among the groups gnomAD compares: Middle Eastern, 0.016%; no homozygotes.

Submissions (2):

CeGaT Center for Human Genetics Tuebingen
Classification: Likely benign. Last evaluated: 2026-04-01. Review status: criteria provided, single submitter. Criteria: CeGaT Center For Human Genetics Tuebingen Variant Classification Criteria Version 2. Collection method: clinical testing. Allele origin: germline. Affected: yes. Observed: 2 variant alleles.
Comment: EHMT1: BP4

Labcorp Genetics (formerly Invitae), Labcorp
Classification: Likely benign for Kleefstra syndrome 1. Last evaluated: 2023-12-04. Review status: criteria provided, single submitter. Criteria: Invitae Variant Classification Sherloc (09022015). Collection method: clinical testing. Allele origin: germline.

NM_024757.5(EHMT1):c.1481T>A (p.Ile494Asn)

Gene: EHMT1 (euchromatic histone lysine methyltransferase 1; plus strand). Cytogenetic location: 9q34.3.
Variant type: single nucleotide variant.
Coding change: c.1481T>A on transcript NM_024757.5 (MANE Select); coding-DNA position 1481, T replaced by A.
Protein change: p.Ile494Asn; replaces isoleucine 494 with asparagine.
Molecular consequence: missense variant.
Genome position (GRCh38, 1-based): chr9:137,757,991, T>A. VCF-style: chr9-137757991-T-A. GRCh37 (hg19) VCF-style: chr9-140652443-T-A.
Other names: c.1481T>A, p.Ile494Asn (NM_001145527.2, NM_001354611.2); c.1388T>A, p.Ile463Asn (NM_001354259.2, NM_001354612.2); c.1460T>A, p.Ile487Asn (NM_001354263.2); short protein forms I463N, I487N, I494N.
Identifiers: ClinVar variation 1005958 (VCV001005958.45), dbSNP rs1344004596, ClinGen allele CA375766474.
Genomic context (GRCh38, chr9:137,757,991, plus strand): 5'-GAGACAGCACAGGGTACATGGAAGTTTCTCTGGACTCCCTGGATCTCCGAGTCAAAGGAA[T>A]TCTGTCTTCACAAGCAGAAGGTGAATGTGGTGGTGTAACTTAGACCGGGCACCATCTTGG-3'
Protein context (NP_079033.4, residues 484-504): LDSLDLRVKG[Ile494Asn]LSSQAEGLAN